The following is an entry in ClinVar:

NM_000152.5(GAA):c.2407C>T (p.Gln803Ter)

Gene: GAA (alpha glucosidase; plus strand). Cytogenetic location: 17q25.3.
Variant type: single nucleotide variant.
Coding change: c.2407C>T on transcript NM_000152.5 (MANE Select); coding-DNA position 2407, C replaced by T.
Protein change: p.Gln803Ter; replaces glutamine 803 with a stop codon.
Molecular consequence: nonsense.
Genome position (GRCh38, 1-based): chr17:80,117,675, C>T. VCF-style: chr17-80117675-C-T. GRCh37 (hg19) VCF-style: chr17-78091474-C-T.
Other names: c.2407C>T (LRG_673t1, NM_000152.4); c.2407C>T, p.Gln803Ter (NM_001079803.3, NM_001079804.3); short protein forms Q803*.
Identifiers: ClinVar variation 552368 (VCV000552368.20), dbSNP rs1344266804, ClinGen allele CA401325116.

ClinVar aggregate classification (germline): Pathogenic. Review status: reviewed by expert panel (3 of 4 stars). 7 submissions from 7 submitters: Pathogenic (1). 6 of the submissions do not count toward it. Last evaluated 2023-07-03.

Conditions:
Glycogen storage disease, type II (IOPD). Also called: POMPE DISEASE, INFANTILE-ONSET; GLYCOGEN STORAGE DISEASE II, INFANTILE-ONSET; ACID ALPHA-GLUCOSIDASE DEFICIENCY, INFANTILE-ONSET; GAA DEFICIENCY, INFANTILE-ONSET; ACID MALTASE DEFICIENCY, INFANTILE-ONSET; CARDIOMEGALIA GLYCOGENICA DIFFUSA. Identifiers: Orphanet 365, MedGen C0017921, MONDO:0009290, OMIM 232300.

Allele frequency attached by ClinVar (database versions not stated): gnomAD exomes below 0.00001 and 0.00001; gnomAD 0.00002 and 0.00001; TOPMed 0.00001.
gnomAD v4.1: 6 of 1,612,626 alleles (0.00037%); highest among the groups gnomAD compares: African/African-American, 0.0027%; no homozygotes.

Submissions (7):

ClinGen Lysosomal Storage Disorder Variant Curation Expert Panel
Classification: Pathogenic for Glycogen storage disease, type II. Last evaluated: 2023-07-03. Review status: reviewed by expert panel. Criteria: clingen_lsd_acmg_specifications_v2-1. Collection method: curation. Allele origin: germline. Inheritance: Autosomal recessive inheritance.
Comment: The NM_000152.5:c.2407C>T (p.Gln803Ter) variant in GAA is a nonsense variant predicted to cause a premature stop codon in biologically-relevant-exon 17 (out of 20 exons), leading to nonsense mediated decay in a gene in which loss-of-function is an established disease mechanism (PVS1). This individual is compound heterozygous for the variant and "IVS 0-45T>G" (assumed to be c.-32-13T>G), a pathogenic variant in GAA, phase unknown (PMID: 26572913) (PM3_Supporting). Two additional patients have been reported to be compound heterozygous for p.Gln803Ter but the cDNA change provided is incorrect and thus this data was not included (PMID: 21940687). The highest population minor allele frequency in gnomAD v2.1.1 is 0.00001 (1/111412 alleles) in the European-Non-Finnish population, which is lower than the ClinGen Lysosomal Diseases VCEP threshold (<0.001) for PM2_Supporting, meeting this criterion. There is a ClinVar entry for this variant (Variation ID: 552368). In summary, this variant meets the criteria to be classified as pathogenic for Pompe disease. GAA-specific ACMG/AMP criteria applied, as specified by the ClinGen Lysosomal Diseases VCEP (Specifications Version 2.0): PVS1, PP4, PM2_Supporting, PM3_Supporting. (Classification approved by the ClinGen Lysosomal Diseases VCEP, July 3, 2023)

Genomenon, Inc
Classification: Pathogenic for Glycogen storage disease, type II. Last evaluated: 2026-07-01. Review status: criteria provided, single submitter. Criteria: Genomenon Sequence Variant Interpretation Standards - Updated. Collection method: curation. Allele origin: germline. Affected: yes. Not counted in ClinVar's aggregate classification.
Comment: GAA p.Gln803Ter (c.2407C>T) is a nonsense variant that introduces a premature stop codon at amino acid position 803 and is predicted to result in a truncated or absent protein product. This variant has been observed in at least one proband with a GAA-related disorder (PMID:34072668;31545528;26572913;21940687). It is absent or not present at a significant frequency in gnomAD. In conclusion, we classify GAA p.Gln803Ter (c.2407C>T) as a pathogenic variant.

Labcorp Genetics (formerly Invitae), Labcorp
Classification: Pathogenic for Glycogen storage disease, type II. Last evaluated: 2025-08-24. Review status: criteria provided, single submitter. Criteria: Invitae Variant Classification Sherloc (09022015). Collection method: clinical testing. Allele origin: germline. Not counted in ClinVar's aggregate classification.
Comment: This sequence change creates a premature translational stop signal (p.Gln803*) in the GAA gene. It is expected to result in an absent or disrupted protein product. Loss-of-function variants in GAA are known to be pathogenic (PMID: 18425781, 22252923). The frequency data for this variant in the population databases is considered unreliable, as metrics indicate poor data quality at this position in the gnomAD database. This premature translational stop signal has been observed in individual(s) with Pompe disease (PMID: 26572913). ClinVar contains an entry for this variant (Variation ID: 552368). For these reasons, this variant has been classified as Pathogenic.

Natera, Inc.
Classification: Pathogenic for Glycogen storage disease type II. Last evaluated: 2024-09-04. Review status: criteria provided, single submitter. Criteria: Natera Variant Classification Schema (03/2026). Collection method: clinical testing. Allele origin: germline. Not counted in ClinVar's aggregate classification.
Comment: The c.2407C>T variant in GAA is a nonsense variant predicted to introduce a stop codon at amino acid 803. This variant is expected to result in nonsense mediated decay, truncation, or a dysfunctional protein product. This variant is rare in the general population with a frequency below the threshold expected for the associated phenotype(s). This variant has been observed in one or more individuals affected with the associated recessive disease, as either homozygous or compound heterozygous with a second variant (PMID: 34072668). Given the available evidence, this variant is classified as Pathogenic.

Baylor Genetics
Classification: Pathogenic for Glycogen storage disease, type II. Last evaluated: 2023-09-18. Review status: criteria provided, single submitter. Criteria: ACMG Guidelines, 2015. Collection method: clinical testing. Allele origin: unknown. Not counted in ClinVar's aggregate classification.

Revvity Omics, Revvity
Classification: Pathogenic. Last evaluated: 2020-10-19. Review status: criteria provided, single submitter. Criteria: ACMG Guidelines, 2015. Collection method: clinical testing. Allele origin: germline. Not counted in ClinVar's aggregate classification.

Counsyl
Classification: Pathogenic for Glycogen storage disease, type II. Last evaluated: 2017-06-20. Review status: no assertion criteria provided. Collection method: clinical testing. Allele origin: unknown. Not counted in ClinVar's aggregate classification.

Literature cited by the submitters: PubMed 34072668 (cited by Genomenon, Inc and Natera, Inc.); PubMed 31545528 (cited by Genomenon, Inc); PubMed 26572913 (cited by 3 submitters); PubMed 21940687 (cited by Genomenon, Inc and Counsyl); PubMed 18425781 (cited by Labcorp Genetics (formerly Invitae), Labcorp); PubMed 22252923 (cited by Labcorp Genetics (formerly Invitae), Labcorp).